The following is an entry in ClinVar:

ClinVar aggregate classification (germline): Uncertain significance (1 of 4 stars; one submission).

Submission:

GeneDx
Classification: Uncertain significance. Last evaluated: 2020-02-19. Review status: criteria provided, single submitter. Criteria: GeneDx Variant Classification Process June 2021. Collection method: clinical testing. Allele origin: germline. Affected: yes.
Comment: Has not been previously published as pathogenic or benign to our knowledge; Not observed in large population cohorts (Lek et al., 2016); In silico analysis supports that this missense variant does not alter protein structure/function

NM_000834.5(GRIN2B):c.2964C>A (p.His988Gln)

Gene: GRIN2B (glutamate ionotropic receptor NMDA type subunit 2B; minus strand). Cytogenetic location: 12p13.1.
Variant type: single nucleotide variant.
Coding change: c.2964C>A on transcript NM_000834.5 (MANE Select); coding-DNA position 2964, C replaced by A.
Protein change: p.His988Gln; replaces histidine 988 with glutamine.
Molecular consequence: missense variant.
Genome position (GRCh38, 1-based): chr12:13,564,274, G>T on the plus strand (C>A on the coding strand, the complement: GRIN2B is on the minus strand). VCF-style: chr12-13564274-G-T. GRCh37 (hg19) VCF-style: chr12-13717208-G-T.
Other names: short protein forms H988Q.
Identifiers: ClinVar variation 1314915 (VCV001314915.2), dbSNP rs1197717686, ClinGen allele CA383992588.
Genomic context (GRCh38, chr12:13,564,274, plus strand): 5'-GTTGTCACAGTCGTAGAGCCCATCGATGGAGCTGGCACTGCCAATACTATGGGGCCGGTG[G>T]TGATGGTGGTAGTGATCTTGGTACACGTTGCTGTCCTTCAGCTGCAGGTTCCCGAACGTT-3'
Protein context (NP_000825.2, residues 978-998): SNVYQDHYHH[His988Gln]HRPHSIGSAS